The following is an entry in ClinVar:

ClinVar aggregate classification (germline): Likely pathogenic (1 of 4 stars; one submission).

Conditions:
Neurodevelopmental disorder with hypotonia and variable intellectual and behavioral abnormalities. Identifiers: MedGen C5231423, MONDO:0032829, OMIM 618603.

Submission:

University of Washington Department of Laboratory Medicine, University of Washington
Classification: Likely pathogenic for Neurodevelopmental disorder with hypotonia and variable intellectual and behavioral abnormalities. Last evaluated: 2022-01-04. Review status: criteria provided, single submitter. Criteria: ACMG Guidelines, 2015. Collection method: clinical testing. Allele origin: de novo. Affected: yes.
Comment: This variant occurs in the funnel region of the POLR2A protein and other missense variants in this region have been associated with disease (Haijes 2019, Hansen 2021). Additionally, this gene has fewer missense variants in the general population than expected. A low rate of missense variation may suggest that this gene is intolerant to missense variation. In silico tools predict that the p.Ile714Thr variant is deleterious; however, these predictions have not been tested directly. Using ACMG guidelines, this variant was classified as likely pathogenic for autosomal dominant POLR2A-related neurodevelopmental disorder (ACMG evidence codes used: PS2_moderate, PM1, PM2_supporting, PP3).

NM_000937.5(POLR2A):c.2141T>C (p.Ile714Thr)

Gene: POLR2A (RNA polymerase II subunit A; plus strand). Cytogenetic location: 17p13.1.
Variant type: single nucleotide variant.
Coding change: c.2141T>C on transcript NM_000937.5 (MANE Select); coding-DNA position 2141, T replaced by C.
Protein change: p.Ile714Thr; replaces isoleucine 714 with threonine.
Molecular consequence: missense variant.
Genome position (GRCh38, 1-based): chr17:7,501,379, T>C. VCF-style: chr17-7501379-T-C. GRCh37 (hg19) VCF-style: chr17-7404698-T-C.
Other names: c.2141T>C (NM_000937.4); short protein forms I714T.
Identifiers: ClinVar variation 3777158 (VCV003777158.1).
Genomic context (GRCh38, chr17:7,501,379, plus strand): 5'-CTGATTCTAAGACTTACCAGGACATTCAGAACACTATTAAGAAGGCCAAGCAGGACGTAA[T>C]AGAGGTAAGAGGGGAGGCCACCAGAGACGGAATAAGGGGTTTCCAGGGACTTCGAAGTTA-3'
Protein context (NP_000928.1, residues 704-724): NTIKKAKQDV[Ile714Thr]EVIEKAHNNE